The following is an entry in ClinVar:

NM_001034850.3(RETREG1):c.638A>G (p.Tyr213Cys)

Gene: RETREG1 (reticulophagy regulator 1; minus strand). Cytogenetic location: 5p15.1.
Variant type: single nucleotide variant.
Coding change: c.638A>G on transcript NM_001034850.3 (MANE Select); coding-DNA position 638, A replaced by G.
Protein change: p.Tyr213Cys; replaces tyrosine 213 with cysteine.
Molecular consequence: missense variant.
Genome position (GRCh38, 1-based): chr5:16,481,041, T>C on the plus strand (A>G on the coding strand, the complement: RETREG1 is on the minus strand). VCF-style: chr5-16481041-T-C. GRCh37 (hg19) VCF-style: chr5-16481150-T-C.
Other names: c.215A>G, p.Tyr72Cys (NM_019000.5); short protein forms Y213C, Y72C.
Identifiers: ClinVar variation 1502180 (VCV001502180.7), dbSNP rs2126516838, ClinGen allele CA359258954.

ClinVar aggregate classification (germline): Uncertain significance. Review status: criteria provided, multiple submitters, no conflicts (2 of 4 stars). 2 submissions from 2 submitters: Uncertain significance (2). Last evaluated 2022-12-13.

Conditions:
Inborn genetic diseases. Identifiers: MedGen C0950123, MeSH D030342.

Submissions (2):

Ambry Genetics
Classification: Uncertain significance for Inborn genetic diseases. Last evaluated: 2022-12-13. Review status: criteria provided, single submitter. Criteria: Ambry Variant Classification Scheme 2023. Collection method: clinical testing. Allele origin: germline.

Labcorp Genetics (formerly Invitae), Labcorp
Classification: Uncertain significance. Last evaluated: 2021-09-17. Review status: criteria provided, single submitter. Criteria: Invitae Variant Classification Sherloc (09022015). Collection method: clinical testing. Allele origin: germline.
Comment: This sequence change replaces tyrosine with cysteine at codon 213 of the RETREG1 protein (p.Tyr213Cys). The tyrosine residue is highly conserved and there is a large physicochemical difference between tyrosine and cysteine. This variant is not present in population databases (ExAC no frequency). This variant has not been reported in the literature in individuals with RETREG1-related conditions. Algorithms developed to predict the effect of missense changes on protein structure and function (SIFT, PolyPhen-2, Align-GVGD) all suggest that this variant is likely to be disruptive, but these predictions have not been confirmed by published functional studies and their clinical significance is uncertain. In summary, the available evidence is currently insufficient to determine the role of this variant in disease. Therefore, it has been classified as a Variant of Uncertain Significance.